The following is an entry in ClinVar:

ClinVar aggregate classification (germline): Uncertain significance. Review status: criteria provided, multiple submitters, no conflicts (2 of 4 stars). 3 submissions from 3 submitters: Uncertain significance (2). 1 of the submissions does not count toward it. Last evaluated 2022-11-01.

Conditions:
Mucopolysaccharidosis, MPS-III-C (MPS3C). Also called: SANFILIPPO SYNDROME C; MPS III C; MUCOPOLYSACCHARIDOSIS, TYPE IIIC; Mucopolysaccharidosis type IIIC (Sanfilippo C); MPS IIIC (Sanfilippo Syndrome Type C); mucopolysaccharidosis type 3C. Identifiers: Orphanet 581, Orphanet 79271, MedGen C0086649, MONDO:0009657, OMIM 252930.
Retinitis pigmentosa 73 (RP73). Identifiers: Orphanet 791, MedGen C4225287, MONDO:0014687, OMIM 616544.

Submissions (3):

Blueprint Genetics
Classification: Uncertain significance. Last evaluated: 2022-11-01. Review status: criteria provided, single submitter. Criteria: ACMG Guidelines, 2015. Collection method: clinical testing. Allele origin: germline.

Labcorp Genetics (formerly Invitae), Labcorp
Classification: Uncertain significance for Retinitis pigmentosa 73; Mucopolysaccharidosis, MPS-III-C. Last evaluated: 2022-08-22. Review status: criteria provided, single submitter. Criteria: Invitae Variant Classification Sherloc (09022015). Collection method: clinical testing. Allele origin: germline.
Comment: This variant, c.981_983del, results in the deletion of 1 amino acid(s) of the HGSNAT protein (p.Ile328del), but otherwise preserves the integrity of the reading frame. This variant is present in population databases (rs752374933, gnomAD 0.004%). This variant has not been reported in the literature in individuals affected with HGSNAT-related conditions. ClinVar contains an entry for this variant (Variation ID: 553145). Experimental studies and prediction algorithms are not available or were not evaluated, and the functional significance of this variant is currently unknown. In summary, the available evidence is currently insufficient to determine the role of this variant in disease. Therefore, it has been classified as a Variant of Uncertain Significance.

Counsyl
Classification: Uncertain significance for Mucopolysaccharidosis, MPS-III-C. Last evaluated: 2017-07-31. Review status: no assertion criteria provided. Collection method: clinical testing. Allele origin: unknown. Not counted in ClinVar's aggregate classification.

NM_152419.3(HGSNAT):c.981_983del (p.Ile328del)

Gene: HGSNAT (heparan-alpha-glucosaminide N-acetyltransferase; plus strand). Cytogenetic location: 8p11.21.
Variant type: Deletion.
Coding change: c.981_983del on transcript NM_152419.3 (MANE Select); coding-DNA positions 981 to 983, 3 bases deleted (CAT; older notation c.981_983delCAT).
Protein change: p.Ile328del; deletes isoleucine 328.
Molecular consequence: inframe deletion. On other transcripts: intron variant (1).
Genome position (GRCh38, 1-based): chr8:43,178,203-43,178,205, CAT deleted; deleting any 3 consecutive bases within chr8:43,178,201-43,178,205 gives the same sequence; the c. name uses the placement nearest the transcript's 3' end. VCF-style (leftmost placement, unchanged base first): chr8-43178200-TATC-T. GRCh37 (hg19) VCF-style: chr8-43033343-TATC-T.
Other names: c.981_983del, p.Ile328del (NM_001363227.2); c.117_119del, p.Ile40del (NM_001363229.2); c.821-3942_821-3940del (NM_001363228.2); c.981_983del (NM_152419.2); short protein forms I328del, I40del.
Identifiers: ClinVar variation 553145 (VCV000553145.6), dbSNP rs752374933, ClinGen allele CA4736693.
Genomic context (GRCh38, chr8:43,178,200, plus strand): 5'-AAAATTCAGATTGCTGGGGAAGATTGCATGGAGGAGTTTCCTGTTAATCTGCATAGGAAT[TATC>T]ATTGTGAATCCCAATTATTGCCTTGGTCCATGTAAGTACTTTTTCCCTCTGTTATATATA-3'